The following is an entry in ClinVar:

NM_024675.4(PALB2):c.1847A>G (p.Asp616Gly)

Gene: PALB2 (partner and localizer of BRCA2; minus strand). Cytogenetic location: 16p12.2.
Variant type: single nucleotide variant.
Coding change: c.1847A>G on transcript NM_024675.4 (MANE Select); coding-DNA position 1847, A replaced by G.
Protein change: p.Asp616Gly; replaces aspartic acid 616 with glycine.
Molecular consequence: missense variant.
Genome position (GRCh38, 1-based): chr16:23,630,307, T>C on the plus strand (A>G on the coding strand, the complement: PALB2 is on the minus strand). VCF-style: chr16-23630307-T-C. GRCh37 (hg19) VCF-style: chr16-23641628-T-C.
Other names: short protein forms D616G.
Identifiers: ClinVar variation 232905 (VCV000232905.24), dbSNP rs876660063, ClinGen allele CA10579994.

ClinVar aggregate classification (germline): Uncertain significance. Review status: criteria provided, multiple submitters, no conflicts (2 of 4 stars). 6 submissions from 6 submitters: Uncertain significance (5). 1 of the submissions does not count toward it. Last evaluated 2024-07-01.

Conditions:
Familial cancer of breast. Also called: BREAST CANCER, FAMILIAL; hereditary breast carcinoma; Hereditary breast cancer. Identifiers: Orphanet 227535, MedGen C0346153, MONDO:0016419, OMIM 114480. Disease mechanism: loss of function.
PALB2-related disorder. Also called: PALB2-related disorders; PALB2-related condition.
Hereditary cancer-predisposing syndrome. Also called: Neoplastic Syndromes, Hereditary; Tumor predisposition; Hereditary Cancer Syndrome; Hereditary neoplastic syndrome. Identifiers: Orphanet 140162, MedGen C0027672, MeSH D009386, MONDO:0015356.

Allele frequency attached by ClinVar (database versions not stated): TOPMed below 0.00001.

Submissions (6):

Ambry Genetics
Classification: Uncertain significance for Hereditary cancer-predisposing syndrome. Last evaluated: 2024-07-01. Review status: criteria provided, single submitter. Criteria: Ambry Variant Classification Scheme 2023. Collection method: clinical testing. Allele origin: germline.
Comment: The p.D616G variant (also known as c.1847A>G), located in coding exon 5 of the PALB2 gene, results from an A to G substitution at nucleotide position 1847. The aspartic acid at codon 616 is replaced by glycine, an amino acid with similar properties. In a functional study, analyzing the impact of multiple PALB2 missense variants on homology directed DNA repair (HDR), p.D616G demonstrated HDR activity similar to wildtype (Wiltshire T et al. Genet. Med., 2019 Oct). This amino acid position is well conserved in available vertebrate species. In addition, this alteration is predicted to be tolerated by in silico analysis. Based on the available evidence, the clinical significance of this variant remains unclear.

Labcorp Genetics (formerly Invitae), Labcorp
Classification: Uncertain significance for Familial cancer of breast. Last evaluated: 2024-05-10. Review status: criteria provided, single submitter. Criteria: Invitae Variant Classification Sherloc (09022015). Collection method: clinical testing. Allele origin: germline.
Comment: This sequence change replaces aspartic acid, which is acidic and polar, with glycine, which is neutral and non-polar, at codon 616 of the PALB2 protein (p.Asp616Gly). This variant is not present in population databases (gnomAD no frequency). This missense change has been observed in individual(s) with breast cancer (PMID: 25186627). ClinVar contains an entry for this variant (Variation ID: 232905). Advanced modeling of protein sequence and biophysical properties (such as structural, functional, and spatial information, amino acid conservation, physicochemical variation, residue mobility, and thermodynamic stability) performed at Invitae indicates that this missense variant is expected to disrupt PALB2 protein function with a positive predictive value of 80%. Experimental studies have shown that this missense change does not substantially affect PALB2 function (PMID: 31636395). RNA analysis performed to evaluate the impact of this missense change on mRNA splicing indicates it does not significantly alter splicing (Invitae). In summary, the available evidence is currently insufficient to determine the role of this variant in disease. Therefore, it has been classified as a Variant of Uncertain Significance.

Baylor Genetics
Classification: Uncertain significance for Familial cancer of breast. Last evaluated: 2024-02-06. Review status: criteria provided, single submitter. Criteria: ACMG Guidelines, 2015. Collection method: clinical testing. Allele origin: unknown.

Color Diagnostics, LLC DBA Color Health
Classification: Uncertain significance for Hereditary cancer-predisposing syndrome. Last evaluated: 2022-12-07. Review status: criteria provided, single submitter. Criteria: ACMG Guidelines, 2015. Collection method: clinical testing. Allele origin: germline.
Comment: This missense variant replaces aspartic acid with glycine at codon 616 of the PALB2 protein. Computational prediction suggests that this variant may not impact protein structure and function (internally defined REVEL score threshold <= 0.5, PMID: 27666373). A functional study has shown that this variant slightly reduces homology directed repair activity of PALB2 to 88% of the wild-type protein (PMID: 31636395). This variant has been reported in one individual affected with breast cancer in the literature (PMID: 25186627). This variant has not been identified in the general population by the Genome Aggregation Database (gnomAD). The available evidence is insufficient to determine the role of this variant in disease conclusively. Therefore, this variant is classified as a Variant of Uncertain Significance.

GeneDx
Classification: Uncertain significance. Last evaluated: 2020-12-17. Review status: criteria provided, single submitter. Criteria: GeneDx Variant Classification Process June 2021. Collection method: clinical testing. Allele origin: germline. Affected: yes.
Comment: Not observed in large population cohorts (Lek 2016); In silico analysis supports that this missense variant has a deleterious effect on protein structure/function; Published functional studies demonstrate no damaging effect: homology directed DNA repair (HDR) activity comparable to wild-type (Wiltshire 2019); This variant is associated with the following publications: (PMID: 25186627, 31636395)

Leiden Open Variation Database
Classification: Uncertain significance for Familial cancer of breast. Last evaluated: 2019-05-13. Review status: no assertion criteria provided. Collection method: curation. Allele origin: germline. Affected: yes. Not counted in ClinVar's aggregate classification.
Comment: Curators: Marc Tischkowitz, Arleen D. Auerbach. Submitter to LOVD: Marc Tischkowitz.

Literature cited by the submitters: PubMed 25186627 (cited by 4 submitters); PubMed 31636395 (cited by 3 submitters).